The following is an entry in ClinVar:

NM_001042492.3(NF1):c.2034del (p.Ile679fs)

Gene: NF1 (neurofibromin 1; plus strand). Cytogenetic location: 17q11.2.
Variant type: Deletion.
Coding change: c.2034del on transcript NM_001042492.3 (MANE Select); coding-DNA position 2034, one base deleted (G; older notation c.2034delG).
Protein change: p.Ile679fs; shifts the reading frame from isoleucine 679.
Molecular consequence: frameshift variant.
Genome position (GRCh38, 1-based): chr17:31,226,467, G deleted. VCF-style (leftmost placement, unchanged base first): chr17-31226466-CG-C. GRCh37 (hg19) VCF-style: chr17-29553484-CG-C.
Other names: c.2034delG (NM_000267.3); c.2034delG, p.Ile679Phefs (NM_000267.4); short protein forms I679fs.
Identifiers: ClinVar variation 574937 (VCV000574937.9), dbSNP rs1567847384, ClinGen allele CA891844361.

ClinVar aggregate classification (germline): Pathogenic/Likely pathogenic. Review status: criteria provided, multiple submitters, no conflicts (2 of 4 stars). 4 submissions from 4 submitters: Pathogenic (3); Likely pathogenic (1). Last evaluated 2026-09-07.

Conditions:
NF1-related disorder. Also called: NF1-related condition. Identifiers: MedGen CN379171.
Hereditary cancer-predisposing syndrome. Also called: Neoplastic Syndromes, Hereditary; Hereditary Cancer Syndrome; Tumor predisposition; Hereditary neoplastic syndrome. Identifiers: Orphanet 140162, MedGen C0027672, MeSH D009386, MONDO:0015356.
Cardiovascular phenotype. Identifiers: MedGen CN230736.
Neurofibromatosis, type 1 (NF1). Also called: VON RECKLINGHAUSEN DISEASE; Peripheral type neurofibromatosis; Neurofibromatosis, type I; NEUROFIBROMATOSIS, TYPE I, SOMATIC. Identifiers: Orphanet 636, MedGen C0027831, MONDO:0018975, OMIM 162200. Disease mechanism: loss of function.

Submissions (4):

Hema, HEMA – Genetic and Molecular Diagnostic Laboratory
Classification: Pathogenic for Neurofibromatosis, type 1. Last evaluated: 2026-09-07. Review status: criteria provided, single submitter. Criteria: HEMA Variant Classification Assertion Criteria. Collection method: clinical testing. Allele origin: germline.
Comment: The variant c.2034del p.(Ile679Phefs*9) is a nucleotide deletion that results in a frameshift in the NF1 protein. PVS1: Null variant (frameshift) in a gene for which loss of function is a known disease mechanism. It is a frameshift variant that introduces a premature stop codon in exon 18/58, which is predicted to lead to nonsense-mediated decay (NMD) of the transcript. PM6: The variant has been reported de novo without confirmation of parentage in an individual with neurofibromatosis type 1 (DOI: 10.1186/s43042-025-00799-0). PP4_Moderate: The variant was reported in an individual with a clinical diagnosis of neurofibromatosis type 1 (DOI: 10.1186/s43042-025-00799-0). PP1: The variant cosegregated with neurofibromatosis type 1 in an individual (DOI: 10.1186/s43042-025-00799-0). PM2_Supporting: Absent in the gnomAD v4.1.1 database.

Ambry Genetics
Classification: Pathogenic for Cardiovascular phenotype; Hereditary cancer-predisposing syndrome. Last evaluated: 2025-08-28. Review status: criteria provided, single submitter. Criteria: Ambry Variant Classification Scheme 2023. Collection method: clinical testing. Allele origin: germline.
Comment: The c.2034delG pathogenic mutation, located in coding exon 18 of the NF1 gene, results from a deletion of one nucleotide at nucleotide position 2034, causing a translational frameshift with a predicted alternate stop codon (p.I679Ffs*9). This variant is considered to be rare based on population cohorts in the Genome Aggregation Database (gnomAD). This alteration is expected to result in loss of function by premature protein truncation or nonsense-mediated mRNA decay. As such, this alteration is interpreted as a disease-causing mutation.

Labcorp Genetics (formerly Invitae), Labcorp
Classification: Pathogenic for Neurofibromatosis, type 1. Last evaluated: 2023-10-17. Review status: criteria provided, single submitter. Criteria: Invitae Variant Classification Sherloc (09022015). Collection method: clinical testing. Allele origin: germline.
Comment: This sequence change creates a premature translational stop signal (p.Ile679Phefs*9) in the NF1 gene. It is expected to result in an absent or disrupted protein product. Loss-of-function variants in NF1 are known to be pathogenic (PMID: 10712197, 23913538). This variant is not present in population databases (gnomAD no frequency). This variant has not been reported in the literature in individuals affected with NF1-related conditions. ClinVar contains an entry for this variant (Variation ID: 574937). For these reasons, this variant has been classified as Pathogenic.

Blueprint Genetics
Classification: Likely pathogenic for NF1-related disorders. Last evaluated: 2017-06-02. Review status: criteria provided, single submitter. Criteria: ACMG Guidelines, 2015. Collection method: clinical testing. Allele origin: germline. Affected: yes. Observed: 1 variant allele.

Literature cited by the submitters: DOI 10.1186/s43042-025-00799-0 (cited by Hema, HEMA – Genetic and Molecular Diagnostic Laboratory); PubMed 10712197 (cited by Labcorp Genetics (formerly Invitae), Labcorp); PubMed 23913538 (cited by Labcorp Genetics (formerly Invitae), Labcorp).